The following is an entry in ClinVar:

NM_015662.3(IFT172):c.97G>C (p.Val33Leu)

Gene: IFT172 (intraflagellar transport 172; minus strand). Cytogenetic location: 2p23.3.
Variant type: single nucleotide variant.
Coding change: c.97G>C on transcript NM_015662.3 (MANE Select); coding-DNA position 97, G replaced by C.
Protein change: p.Val33Leu; replaces valine 33 with leucine.
Molecular consequence: missense variant.
Genome position (GRCh38, 1-based): chr2:27,485,446, C>G on the plus strand (G>C on the coding strand, the complement: IFT172 is on the minus strand). VCF-style: chr2-27485446-C-G. GRCh37 (hg19) VCF-style: chr2-27708313-C-G.
Other names: short protein forms V33L.
Identifiers: ClinVar variation 1503229 (VCV001503229.6), dbSNP rs2148559931, ClinGen allele CA346403563.

ClinVar aggregate classification (germline): Uncertain significance (1 of 4 stars; one submission).

Conditions:
Short-rib thoracic dysplasia 10 with or without polydactyly (SRTD10). Identifiers: Orphanet 474, MedGen C3810175, MONDO:0014284, OMIM 615630.
Retinitis pigmentosa 71 (RP71). Identifiers: Orphanet 791, MedGen C4225342, MONDO:0014618, OMIM 616394.

Submission:

Labcorp Genetics (formerly Invitae), Labcorp
Classification: Uncertain significance for Retinitis pigmentosa 71; Short-rib thoracic dysplasia 10 with or without polydactyly. Last evaluated: 2021-10-20. Review status: criteria provided, single submitter. Criteria: Invitae Variant Classification Sherloc (09022015). Collection method: clinical testing. Allele origin: germline.
Comment: In summary, the available evidence is currently insufficient to determine the role of this variant in disease. Therefore, it has been classified as a Variant of Uncertain Significance. Algorithms developed to predict the effect of missense changes on protein structure and function are either unavailable or do not agree on the potential impact of this missense change (SIFT: "Tolerated"; PolyPhen-2: "Probably Damaging"; Align-GVGD: "Class C0"). This variant has not been reported in the literature in individuals affected with IFT172-related conditions. This variant is not present in population databases (gnomAD no frequency). This sequence change replaces valine, which is neutral and non-polar, with leucine, which is neutral and non-polar, at codon 33 of the IFT172 protein (p.Val33Leu).